The following is an entry in ClinVar:

NM_201548.5(CERKL):c.465C>G (p.Phe155Leu)

Gene: CERKL (CERK like autophagy regulator; minus strand). Cytogenetic location: 2q31.3.
Variant type: single nucleotide variant.
Coding change: c.465C>G on transcript NM_201548.5 (MANE Select); coding-DNA position 465, C replaced by G.
Protein change: p.Phe155Leu; replaces phenylalanine 155 with leucine.
Molecular consequence: missense variant. On other transcripts: non-coding transcript variant (2).
Genome position (GRCh38, 1-based): chr2:181,603,853, G>C on the plus strand (C>G on the coding strand, the complement: CERKL is on the minus strand). VCF-style: chr2-181603853-G-C. GRCh37 (hg19) VCF-style: chr2-182468580-G-C.
Other names: c.465C>G, p.Phe155Leu (NM_001030311.3, NM_001030312.3, NM_001030313.3 and 3 more transcripts); short protein forms F155L.
Identifiers: ClinVar variation 1945023 (VCV001945023.2), dbSNP rs549225035, ClinGen allele CA2010836.

ClinVar aggregate classification (germline): Uncertain significance (1 of 4 stars; one submission).

Allele frequency attached by ClinVar (database versions not stated): gnomAD 0.00002; TOPMed 0.00002.
gnomAD v4.1: 11 of 1,613,044 alleles (0.00068%); highest among the groups gnomAD compares: Non-Finnish European, 0.00093%; no homozygotes.

Submission:

Labcorp Genetics (formerly Invitae), Labcorp
Classification: Uncertain significance. Last evaluated: 2022-02-04. Review status: criteria provided, single submitter. Criteria: Invitae Variant Classification Sherloc (09022015). Collection method: clinical testing. Allele origin: germline.
Comment: This sequence change replaces phenylalanine, which is neutral and non-polar, with leucine, which is neutral and non-polar, at codon 155 of the CERKL protein (p.Phe155Leu). This variant is present in population databases (rs549225035, gnomAD 0.004%). This variant has not been reported in the literature in individuals affected with CERKL-related conditions. Algorithms developed to predict the effect of missense changes on protein structure and function output the following: SIFT: "Tolerated"; PolyPhen-2: "Benign"; Align-GVGD: "Class C0". The leucine amino acid residue is found in multiple mammalian species, which suggests that this missense change does not adversely affect protein function. In summary, the available evidence is currently insufficient to determine the role of this variant in disease. Therefore, it has been classified as a Variant of Uncertain Significance.